The following is an entry in ClinVar:

ClinVar aggregate classification (germline): Uncertain significance (1 of 4 stars; one submission).

Conditions:
Neurodevelopmental disorder with hypotonia, neuropathy, and deafness (NEDHND). Also called: SPTBN4 Disorder; Myopathy, congenital, with neuropathy and deafness. Identifiers: MedGen C4479603, MONDO:0060496, OMIM 617519.

Submission:

Neuberg Centre For Genomic Medicine, NCGM
Classification: Uncertain significance for Neurodevelopmental disorder with hypotonia, neuropathy, and deafness. Review status: criteria provided, single submitter. Criteria: ACMG Guidelines, 2015. Collection method: clinical testing. Allele origin: germline. Inheritance: Autosomal recessive inheritance. Affected: yes.
Comment: The missense variant c.1286T>A (p.Leu429Gln) in SPTBN4 gene has not been reported previously as a pathogenic variant nor as a benign variant, to our knowledge. The p.Leu429Gln variant is novel (not in any individuals) in gnomAD Exomes and 1000 Genomes. The amino acid Leu at position 429 is changed to a Gln changing protein sequence and it might alter its composition and physico-chemical properties. The amino acid change p.Leu429Gln in SPTBN4 is predicted as conserved by GERP++ and PhyloP across 100 vertebrates. For these reasons, this variant has been classified as Uncertain Significance.

NM_020971.3(SPTBN4):c.1286T>A (p.Leu429Gln)

Gene: SPTBN4 (spectrin beta, non-erythrocytic 4; plus strand). Cytogenetic location: 19q13.2.
Variant type: single nucleotide variant.
Coding change: c.1286T>A on transcript NM_020971.3 (MANE Select); coding-DNA position 1286, T replaced by A.
Protein change: p.Leu429Gln; replaces leucine 429 with glutamine.
Molecular consequence: missense variant.
Genome position (GRCh38, 1-based): chr19:40,502,857, T>A. VCF-style: chr19-40502857-T-A. GRCh37 (hg19) VCF-style: chr19-41008764-T-A.
Other names: short protein forms L429Q.
Identifiers: ClinVar variation 2585634 (VCV002585634.1), dbSNP rs2514985046, ClinGen allele CA405903217.